The following continues an entry in ClinVar:

NM_001042492.3(NF1):c.4084C>T (p.Arg1362Ter)

Gene: NF1. ClinVar aggregate classification (germline): Pathogenic. Pathogenic (24).

Submissions 18 to 25 of 25:

Genome Diagnostics Laboratory, The Hospital for Sick Children
Classification: Pathogenic for Neurofibromatosis, type 1. Last evaluated: 2020-10-26. Review status: criteria provided, single submitter. Criteria: ACMG Guidelines, 2015. Collection method: clinical testing. Allele origin: germline. Affected: yes.

Medical Genetics, University of Parma
Classification: Pathogenic for Neurofibromatosis, type 1. Last evaluated: 2019-12-20. Review status: criteria provided, single submitter. Criteria: ACMG Guidelines, 2015. Collection method: clinical testing. Allele origin: germline. Affected: yes.

ARUP Laboratories, Molecular Genetics and Genomics, ARUP Laboratories
Classification: Pathogenic. Last evaluated: 2018-03-29. Review status: criteria provided, single submitter. Criteria: ARUP Molecular Germline Variant Investigation Process. Collection method: clinical testing. Allele origin: germline.
Comment: The NF1 c.4084C>T; p.Arg1362Ter variant (rs137854560) is reported in the medical literature in individuals with neurofibromatosis type I (Fahsold 2000, Messiaen 2000, Upadhyaya 1997). The variant is listed in the ClinVar database (Variation ID: 344) as pathogenic by several sources. This variant is absent from general population databases (1000 Genomes Project, Exome Variant Server, and Genome Aggregation Database), indicating it is not a common polymorphism. This variant induces an early termination codon and is predicted to result in a truncated protein or mRNA subject to nonsense-mediated decay. Considering available information, this variant is classified as pathogenic. References: Fahsold R et al. Minor lesion mutational spectrum of the entire NF1 gene does not explain its high mutability but points to a functional domain upstream of the GAP-related domain. Am J Hum Genet. 2000 Mar;66(3):790-818. Messiaen LM et al. Exhaustive mutation analysis of the NF1 gene allows identification of 95% of mutations and reveals a high frequency of unusual splicing defects. Hum Mutat. 2000;15(6):541-55. Upadhyaya M et al. Mutational and functional analysis of the neurofibromatosis type 1 (NF1) gene. Hum Genet. 1997 Jan;99(1):88-92.

Center for Human Genetics, Inc
Classification: Pathogenic for Neurofibromatosis, type 1. Last evaluated: 2016-11-01. Review status: criteria provided, single submitter. Criteria: ACMG Guidelines, 2015. Collection method: clinical testing. Allele origin: germline. Affected: yes.

Ambry Genetics
Classification: Pathogenic for Hereditary cancer-predisposing syndrome. Last evaluated: 2015-09-30. Review status: criteria provided, single submitter. Criteria: Ambry Autosomal Dominant and X-Linked criteria (10/2015). Collection method: clinical testing. Allele origin: germline. Observed: 1 variant allele.
Comment: The p.R1362* pathogenic mutation (also known as c.4084C>T), located in coding exon 30 of the NF1 gene, results from a C to T substitution at nucleotide position 4084. This changes the amino acid from an arginine to a stop codon within coding exon 30. This mutation has beendetectedin multipleindividuals satisfying NIH diagnostic criteria for NF1 (FahsoldRet al.Am. J. Hum. Genet. 2000; 66(3):790-818;Ko JMet al.Pediatr.Neurol. 2013; 48(6):447-53;KluweLet al.Hum.Mutat. 2003; 22(5):420).In addition to the clinical data presented in the literature, since premature stop codons are typically deleterious in nature, this alteration is interpreted as a disease-causing mutation (ACMG Recommendations for Standards for Interpretation and Reporting of Sequence Variations. Revision 2007. Genet Med. 2008; 10:294).

Centre for Mendelian Genomics, University Medical Centre Ljubljana
Classification: Pathogenic for Neurofibromatosis, type 1. Last evaluated: 2015-04-01. Review status: criteria provided, single submitter. Criteria: ACMG Guidelines, 2015. Collection method: clinical testing. Allele origin: unknown. Affected: yes.

Juno Genomics, Hangzhou Juno Genomics, Inc
Classification: Pathogenic for Neurofibromatosis, type 1. Review status: criteria provided, single submitter. Criteria: ACMG Guidelines, 2015. Collection method: clinical testing. Allele origin: germline. Affected: yes.
Comment: Null variant in a gene where loss of function (LOF) is a known mechanism of disease.;Absent from controls (or at extremely low frequency if recessive) in Genome Aggregation Database, Exome Sequencing Project, 1000 Genomes Project, or Exome Aggregation Consortium.;The prevalence of the variant in affected individuals is significantly increased compared to the prevalence in controls.

OMIM
Classification: Pathogenic for NEUROFIBROMATOSIS, TYPE I, SOMATIC. Last evaluated: 2000-02-01. Review status: no assertion criteria provided. Collection method: literature only. Allele origin: somatic. Not counted in ClinVar's aggregate classification.

Literature cited by the submitters: PubMed 10712197 (cited by 3 submitters); PubMed 14517963 (cited by Ambry Genetics and Athena Diagnostics); PubMed 23668869 (cited by Ambry Genetics and Athena Diagnostics); PubMed 23913538 (cited by Labcorp Genetics (formerly Invitae), Labcorp and Athena Diagnostics); PubMed 9003501 (cited by 3 submitters); PubMed 10543400 (cited by Labcorp Genetics (formerly Invitae), Labcorp and Athena Diagnostics); PubMed 12112660 (cited by Labcorp Genetics (formerly Invitae), Labcorp and Athena Diagnostics); PubMed 24789688 (cited by Labcorp Genetics (formerly Invitae), Labcorp and Athena Diagnostics); PubMed 29625052 (cited by Athena Diagnostics); PubMed 31776437 (cited by Athena Diagnostics); PubMed 30308447 (cited by Athena Diagnostics); PubMed 33674644 (cited by Athena Diagnostics); PubMed 31717729 (cited by Athena Diagnostics); PubMed 10677298 (cited by Athena Diagnostics and OMIM); PubMed 15146469 (cited by Athena Diagnostics); PubMed 10862084 (cited by Athena Diagnostics).